The following is an entry in ClinVar:

ClinVar aggregate classification (germline): Uncertain significance (1 of 4 stars; one submission).

Submission:

GeneDx
Classification: Uncertain significance. Last evaluated: 2024-10-29. Review status: criteria provided, single submitter. Criteria: GeneDx Variant Classification Process June 2021. Collection method: clinical testing. Allele origin: germline. Affected: yes.
Comment: Not observed at significant frequency in large population cohorts (gnomAD); In silico analysis indicates that this missense variant does not alter protein structure/function; Has not been previously published as pathogenic or benign to our knowledge

NM_173495.3(PTCHD1):c.1075C>A (p.His359Asn)

Gene: PTCHD1 (patched domain containing 1; plus strand). Cytogenetic location: Xp22.11.
Variant type: single nucleotide variant.
Coding change: c.1075C>A on transcript NM_173495.3 (MANE Select); coding-DNA position 1075, C replaced by A.
Protein change: p.His359Asn; replaces histidine 359 with asparagine.
Molecular consequence: missense variant.
Genome position (GRCh38, 1-based): chrX:23,392,593, C>A. VCF-style: chrX-23392593-C-A. GRCh37 (hg19) VCF-style: chrX-23410710-C-A.
Other names: short protein forms H359N.
Identifiers: ClinVar variation 3897375 (VCV003897375.1).
Genomic context (GRCh38, chrX:23,392,593, plus strand): 5'-CATGGATTATATGGGACTTTTGAAATGTTATCCTCCTGGAGGAAAACTAGAGAAGACCAA[C>A]ATGTTAAAGAGAGAACTGCAGCAGTCTATGCAGACTCCATGCTCTCCTTTTCTCTCACCA-3'
Protein context (NP_775766.2, residues 349-369): SSWRKTREDQ[His359Asn]VKERTAAVYA